The following is an entry in ClinVar:

ClinVar aggregate classification (germline): Pathogenic (1 of 4 stars; one submission).

Submission:

Labcorp Genetics (formerly Invitae), Labcorp
Classification: Pathogenic. Last evaluated: 2022-05-30. Review status: criteria provided, single submitter. Criteria: Invitae Variant Classification Sherloc (09022015). Collection method: clinical testing. Allele origin: germline.
Comment: This sequence change creates a premature translational stop signal (p.Met718Alafs*2) in the DNAH9 gene. It is expected to result in an absent or disrupted protein product. Loss-of-function variants in DNAH9 are known to be pathogenic (PMID: 30471718). This variant is present in population databases (rs771518917, gnomAD 0.01%). This variant has not been reported in the literature in individuals affected with DNAH9-related conditions. Algorithms developed to predict the effect of sequence changes on RNA splicing suggest that this variant may disrupt the consensus splice site. For these reasons, this variant has been classified as Pathogenic.

Literature cited by the submitters: PubMed 30471718.

NM_001372.4(DNAH9):c.2151_2152del (p.Met718fs)

Gene: DNAH9 (dynein axonemal heavy chain 9; plus strand). Cytogenetic location: 17p12.
Variant type: Microsatellite.
Coding change: c.2151_2152del on transcript NM_001372.4 (MANE Select); coding-DNA positions 2151 to 2152, 2 bases deleted (CA; older notation c.2151_2152delCA).
Protein change: p.Met718fs; shifts the reading frame from methionine 718.
Molecular consequence: frameshift variant.
Genome position (GRCh38, 1-based): chr17:11,651,122-11,651,123, CA deleted; deleting any 2 consecutive bases within chr17:11,651,119-11,651,123 gives the same sequence; the c. name uses the placement nearest the transcript's 3' end. VCF-style (leftmost placement, unchanged base first): chr17-11651118-AAC-A. GRCh37 (hg19) VCF-style: chr17-11554435-AAC-A.
Other names: short protein forms M718fs.
Identifiers: ClinVar variation 1902923 (VCV001902923.5), dbSNP rs771518917, ClinGen allele CA8395113.